The following is an entry in ClinVar:

NM_000051.4(ATM):c.286G>T (p.Glu96Ter)

Gene: ATM (ATM serine/threonine kinase; plus strand). Cytogenetic location: 11q22.3.
Variant type: single nucleotide variant.
Coding change: c.286G>T on transcript NM_000051.4 (MANE Select); coding-DNA position 286, G replaced by T.
Protein change: p.Glu96Ter; replaces glutamic acid 96 with a stop codon.
Molecular consequence: nonsense.
Genome position (GRCh38, 1-based): chr11:108,229,278, G>T. VCF-style: chr11-108229278-G-T. GRCh37 (hg19) VCF-style: chr11-108100005-G-T.
Other names: c.286G>T, p.Glu96Ter (NM_001351834.2, NM_001351835.2, NM_001351836.2); short protein forms E96*.
Identifiers: ClinVar variation 821876 (VCV000821876.4), dbSNP rs1591452100, ClinGen allele CA382521706.

ClinVar aggregate classification (germline): Pathogenic (1 of 4 stars; one submission).

Conditions:
Hereditary cancer-predisposing syndrome. Also called: Tumor predisposition; Hereditary Cancer Syndrome; Neoplastic Syndromes, Hereditary; Hereditary neoplastic syndrome. Identifiers: Orphanet 140162, MedGen C0027672, MeSH D009386, MONDO:0015356.

Submission:

Ambry Genetics
Classification: Pathogenic for Hereditary cancer-predisposing syndrome. Last evaluated: 2018-04-17. Review status: criteria provided, single submitter. Criteria: Ambry Variant Classification Scheme 2023. Collection method: clinical testing. Allele origin: germline.
Comment: The p.E96* pathogenic mutation (also known as c.286G>T), located in coding exon 3 of the ATM gene, results from a G to T substitution at nucleotide position 286. This changes the amino acid from a glutamic acid to a stop codon within coding exon 3. This alteration is expected to result in loss of function by premature protein truncation or nonsense-mediated mRNA decay. As such, this alteration is interpreted as a disease-causing mutation.